The following is an entry in ClinVar:

NM_007294.4(BRCA1):c.4669G>T (p.Asp1557Tyr)

Gene: BRCA1 (BRCA1 DNA repair associated; minus strand). Cytogenetic location: 17q21.31.
Variant type: single nucleotide variant.
Coding change: c.4669G>T on transcript NM_007294.4 (MANE Select); coding-DNA position 4669, G replaced by T.
Protein change: p.Asp1557Tyr; replaces aspartic acid 1557 with tyrosine.
Molecular consequence: missense variant. On other transcripts: non-coding transcript variant (1).
Genome position (GRCh38, 1-based): chr17:43,074,337, C>A on the plus strand (G>T on the coding strand, the complement: BRCA1 is on the minus strand). VCF-style: chr17-43074337-C-A. GRCh37 (hg19) VCF-style: chr17-41226354-C-A.
Other names: c.4456G>T, p.Asp1486Tyr (NM_001407571.1, NM_001407894.1, NM_001407895.1 and 12 more transcripts); c.4735G>T, p.Asp1579Tyr (NM_001407581.1, NM_001407582.1); c.4732G>T, p.Asp1578Tyr (NM_001407583.1, NM_001407585.1, NM_001407587.1 and 1 more transcripts); c.4729G>T, p.Asp1577Tyr (NM_001407590.1, NM_001407591.1); c.4669G>T, p.Asp1557Tyr (NM_001407593.1, NM_001407594.1, NM_001407596.1 and 8 more transcripts); c.4666G>T, p.Asp1556Tyr (NM_001407610.1, NM_001407611.1, NM_001407612.1 and 17 more transcripts); c.4663G>T, p.Asp1555Tyr (NM_001407627.1, NM_001407628.1, NM_001407629.1 and 14 more transcripts); c.4660G>T, p.Asp1554Tyr (NM_001407644.1, NM_001407645.1); and 68 more; short protein forms D1557Y, D1578Y, D453Y, D1510Y, D1429Y, D1469Y, D1486Y, D1531Y.
Identifiers: ClinVar variation 409325 (VCV000409325.16), dbSNP rs80356906, ClinGen allele CA10592172.

ClinVar aggregate classification (germline): Uncertain significance. Review status: criteria provided, multiple submitters, no conflicts (2 of 4 stars). 4 submissions from 4 submitters: Uncertain significance (4). Last evaluated 2025-03-24.

Conditions:
BRCA1-related cancer predisposition. Identifiers: MedGen CN377757, MONDO:0700268.
Hereditary cancer-predisposing syndrome. Also called: Hereditary Cancer Syndrome; Hereditary neoplastic syndrome; Neoplastic Syndromes, Hereditary; Tumor predisposition. Identifiers: Orphanet 140162, MedGen C0027672, MeSH D009386, MONDO:0015356.
Hereditary breast ovarian cancer syndrome. Also called: BRCA1- and BRCA2-Associated Hereditary Breast and Ovarian Cancer; Hereditary breast and ovarian cancer syndrome (HBOC); Hereditary breast and ovarian cancer; Hereditary breast and ovarian cancer syndrome; Breast and ovarian cancer; Hereditary breast and/or ovarian cancer syndrome. Identifiers: Orphanet 145, MedGen C0677776, MeSH D061325, MONDO:0003582. Disease mechanism: loss of function.

Submissions (4):

Color Diagnostics, LLC DBA Color Health
Classification: Uncertain significance for Hereditary cancer-predisposing syndrome. Last evaluated: 2025-03-24. Review status: criteria provided, single submitter. Criteria: ACMG Guidelines, 2015. Collection method: clinical testing. Allele origin: germline.
Comment: This missense variant replaces aspartic acid with tyrosine at codon 1557 of the BRCA1 protein. Computational prediction is inconclusive regarding the impact of this variant on protein structure and function. To our knowledge, functional studies have not been reported for this variant. This variant has not been reported in individuals affected with BRCA1-related disorders in the literature. This variant has not been identified in the general population by the Genome Aggregation Database (gnomAD). The available evidence is insufficient to determine the role of this variant in disease conclusively. Therefore, this variant is classified as a Variant of Uncertain Significance.

Ambry Genetics
Classification: Uncertain significance for Hereditary cancer-predisposing syndrome. Last evaluated: 2024-05-25. Review status: criteria provided, single submitter. Criteria: Ambry Variant Classification Scheme 2023. Collection method: clinical testing. Allele origin: germline.
Comment: The p.D1557Y variant (also known as c.4669G>T), located in coding exon 13 of the BRCA1 gene, results from a G to T substitution at nucleotide position 4669. The aspartic acid at codon 1557 is replaced by tyrosine, an amino acid with highly dissimilar properties. This amino acid position is conserved. In addition, this alteration is predicted to be deleterious by in silico analysis. Based on the available evidence, the clinical significance of this variant remains unclear.

All of Us Research Program, National Institutes of Health
Classification: Uncertain significance for BRCA1-related cancer predisposition. Last evaluated: 2024-03-24. Review status: criteria provided, single submitter. Criteria: ACMG Guidelines, 2015. Collection method: clinical testing. Allele origin: germline. Inheritance: Autosomal dominant inheritance. Observed: 1 variant allele, 1 heterozygote.
Comment: This missense variant replaces aspartic acid with tyrosine at codon 1557 of the BRCA1 protein. Computational prediction is inconclusive regarding the impact of this variant on protein structure and function. To our knowledge, functional studies have not been reported for this variant. This variant has not been reported in individuals affected with BRCA1-related disorders in the literature. This variant has not been identified in the general population by the Genome Aggregation Database (gnomAD). The available evidence is insufficient to determine the role of this variant in disease conclusively. Therefore, this variant is classified as a Variant of Uncertain Significance.

This study involves interpretation of variants in research participants for the purpose of population health screening. Participant phenotype was not available at the time of variant classification. Additional details can be found in publication PMID: 35346344, PMCID: PMC8962531

Labcorp Genetics (formerly Invitae), Labcorp
Classification: Uncertain significance for Hereditary breast ovarian cancer syndrome. Last evaluated: 2023-02-14. Review status: criteria provided, single submitter. Criteria: Invitae Variant Classification Sherloc (09022015). Collection method: clinical testing. Allele origin: germline.
Comment: In summary, the available evidence is currently insufficient to determine the role of this variant in disease. Therefore, it has been classified as a Variant of Uncertain Significance. Advanced modeling of protein sequence and biophysical properties (such as structural, functional, and spatial information, amino acid conservation, physicochemical variation, residue mobility, and thermodynamic stability) performed at Invitae indicates that this missense variant is not expected to disrupt BRCA1 protein function. ClinVar contains an entry for this variant (Variation ID: 409325). This variant has not been reported in the literature in individuals affected with BRCA1-related conditions. This variant is not present in population databases (gnomAD no frequency). This sequence change replaces aspartic acid, which is acidic and polar, with tyrosine, which is neutral and polar, at codon 1557 of the BRCA1 protein (p.Asp1557Tyr).